The following is an entry in ClinVar:

NM_001130009.3(GEN1):c.1161A>C (p.Arg387Ser)

Gene: GEN1 (GEN1 Holliday junction 5' flap endonuclease; plus strand). Cytogenetic location: 2p24.2.
Variant type: single nucleotide variant.
Coding change: c.1161A>C on transcript NM_001130009.3 (MANE Select); coding-DNA position 1161, A replaced by C.
Protein change: p.Arg387Ser; replaces arginine 387 with serine.
Molecular consequence: missense variant.
Genome position (GRCh38, 1-based): chr2:17,774,360, A>C. VCF-style: chr2-17774360-A-C. GRCh37 (hg19) VCF-style: chr2-17955627-A-C.
Other names: c.1161A>C, p.Arg387Ser (NM_182625.5); short protein forms R387S.
Identifiers: ClinVar variation 3519756 (VCV003519756.1).
Genomic context (GRCh38, chr2:17,774,360, plus strand): 5'-CAATCACTATGCATGTGAGAAATTGCTGGTACTTTTGACCCATTATGACATGATAGAAAG[A>C]AAGCTTGGTAGCAGAAACTCTAATCAACTACAGCCAATTCGGTAATGTAAAGAACTGTAT-3'
Protein context (NP_001123481.3, residues 377-397): VLLTHYDMIE[Arg387Ser]KLGSRNSNQL

ClinVar aggregate classification (germline): Uncertain significance (1 of 4 stars; one submission).

gnomAD v4.1: 5 of 1,606,474 alleles (0.00031%); highest among the groups gnomAD compares: African/African-American, 0.0013%; no homozygotes.

Submission:

Ambry Genetics
Classification: Uncertain significance. Last evaluated: 2024-11-28. Review status: criteria provided, single submitter. Criteria: Ambry Variant Classification Scheme 2023. Collection method: clinical testing. Allele origin: germline.
Comment: The p.R387S variant (also known as c.1161A>C), located in coding exon 10 of the GEN1 gene, results from an A to C substitution at nucleotide position 1161. The arginine at codon 387 is replaced by serine, an amino acid with dissimilar properties. This amino acid position is conserved. In addition, the in silico prediction for this alteration is inconclusive. Based on the available evidence, the clinical significance of this variant remains unclear.